The following is an entry in ClinVar:

NC_000011.10:g.5226995_5227524del

Genes: HBB (hemoglobin subunit beta; minus strand), LOC106099062 (HBB recombination region; plus strand), LOC107133510 (origin of replication at HBB; plus strand). Cytogenetic location: 11p15.4.
Variant type: Deletion.
Genome position: GRCh38: chr11:5,226,995-5,227,524. GRCh37 (hg19): chr11:5,248,225-5,248,754.
Identifiers: ClinVar variation 2853365 (VCV002853365.3), dbSNP rs2494297067, ClinGen allele CA2739276176.

ClinVar aggregate classification (germline): Pathogenic (1 of 4 stars; one submission).

Submission:

Labcorp Genetics (formerly Invitae), Labcorp
Classification: Pathogenic. Last evaluated: 2023-04-07. Review status: criteria provided, single submitter. Criteria: Invitae Variant Classification Sherloc (09022015). Collection method: clinical testing. Allele origin: germline.
Comment: This variant results in the deletion of part of exon 1 (c.-501_29del) of the HBB gene. It is expected to result in an absent or disrupted protein product. Loss-of-function variants in HBB are known to be pathogenic (PMID: 23637309). A similar copy number variant has been observed in individual(s) with autosomal recessive beta thalassemia (PMID: 1995096, 29182041). This variant is also known as c.-454 _78del and c.-464_74del. For these reasons, this variant has been classified as Pathogenic.

Literature cited by the submitters: PubMed 23637309; PubMed 1995096; PubMed 29182041.